The following is an entry in ClinVar:

ClinVar aggregate classification (germline): Pathogenic/Likely pathogenic. Review status: criteria provided, multiple submitters, no conflicts (2 of 4 stars). 5 submissions from 5 submitters: Pathogenic (4); Likely pathogenic (1). Last evaluated 2025-10-15.

Conditions:
SLC25A20-related disorder. Also called: SLC25A20-related condition.
Carnitine acylcarnitine translocase deficiency (CACTD). Identifiers: Orphanet 159, MedGen C0342791, MONDO:0008918, OMIM 212138.

Allele frequency attached by ClinVar (database versions not stated): TOPMed below 0.00001.
gnomAD v4.1: 17 of 1,573,378 alleles (0.0011%); highest among the groups gnomAD compares: Non-Finnish European, 0.0015%; no homozygotes.

Submissions (5):

Labcorp Genetics (formerly Invitae), Labcorp
Classification: Pathogenic for Carnitine acylcarnitine translocase deficiency. Last evaluated: 2025-10-15. Review status: criteria provided, single submitter. Criteria: Invitae Variant Classification Sherloc (09022015). Collection method: clinical testing. Allele origin: germline.
Comment: This sequence change creates a premature translational stop signal (p.Gln4*) in the SLC25A20 gene. It is expected to result in an absent or disrupted protein product. Loss-of-function variants in SLC25A20 are known to be pathogenic (PMID: 25614308). The frequency data for this variant in the population databases is considered unreliable, as metrics indicate poor data quality at this position in the gnomAD database. This variant has not been reported in the literature in individuals affected with SLC25A20-related conditions. ClinVar contains an entry for this variant (Variation ID: 203941). For these reasons, this variant has been classified as Pathogenic.

PreventionGenetics, part of Exact Sciences
Classification: Pathogenic for SLC25A20-related condition. Last evaluated: 2025-05-21. Review status: criteria provided, single submitter. Criteria: ACMG Guidelines, 2015. Collection method: clinical testing. Allele origin: germline.
Comment: The SLC25A20 c.10C>T variant is predicted to result in premature protein termination (p.Gln4*). This variant has been reported in the compound heterozygous state in an infant with carnitine acylcarnitine translocase deficiency (Table 1, Ambrose et al. 2022. PubMed ID: 36109795). This variant is not reported gnomAD, indicating that it is rare. Nonsense variants in SLC25A20 are expected to be pathogenic. This variant is interpreted as pathogenic.

Fulgent Genetics
Classification: Pathogenic for Carnitine acylcarnitine translocase deficiency. Last evaluated: 2024-03-14. Review status: criteria provided, single submitter. Criteria: ACMG Guidelines, 2015. Collection method: clinical testing. Allele origin: germline.

Women's Health and Genetics/Laboratory Corporation of America, LabCorp
Classification: Likely pathogenic for Carnitine acylcarnitine translocase deficiency. Last evaluated: 2023-01-20. Review status: criteria provided, single submitter. Criteria: LabCorp Variant Classification Summary - May 2015. Collection method: clinical testing. Allele origin: germline.
Comment: Variant summary: SLC25A20 c.10C>T (p.Gln4X) results in a premature termination codon, predicted to cause a truncation of the encoded protein or absence of the protein due to nonsense mediated decay, which are commonly known mechanisms for disease. The next downstream in-frame ATG start site is at codon 51 (Exon 2). Truncations downstream of this variant's position, including those 5 of the next downstream putative in-frame start codon, have been classified as pathogenic by our laboratory. The variant was absent in 181278 control chromosomes. To our knowledge, no occurrence of c.10C>T in individuals affected with Carnitine-Acylcarnitine Translocase Deficiency and no experimental evidence demonstrating its impact on protein function have been reported. Two clinical diagnostic laboratories have submitted clinical-significance assessments for this variant to ClinVar after 2014, and all laboratories classified the variant as pathogenic. Based on the evidence outlined above, the variant was classified as likely pathogenic.

GeneDx
Classification: Pathogenic. Last evaluated: 2022-04-02. Review status: criteria provided, single submitter. Criteria: GeneDx Variant Classification Process June 2021. Collection method: clinical testing. Allele origin: germline. Affected: yes.
Comment: Nonsense variant predicted to result in protein truncation or nonsense mediated decay in a gene for which loss of function is a known mechanism of disease; Not observed at significant frequency in large population cohorts (gnomAD); Has not been previously published as pathogenic or benign to our knowledge

Literature cited by the submitters: PubMed 25614308 (cited by Labcorp Genetics (formerly Invitae), Labcorp).

NM_000387.6(SLC25A20):c.10C>T (p.Gln4Ter)

Gene: SLC25A20 (solute carrier family 25 member 20; minus strand). Cytogenetic location: 3p21.31.
Variant type: single nucleotide variant.
Coding change: c.10C>T on transcript NM_000387.6 (MANE Select); coding-DNA position 10, C replaced by T.
Protein change: p.Gln4Ter; replaces glutamine 4 with a stop codon.
Molecular consequence: nonsense.
Genome position (GRCh38, 1-based): chr3:48,898,785, G>A on the plus strand (C>T on the coding strand, the complement: SLC25A20 is on the minus strand). VCF-style: chr3-48898785-G-A. GRCh37 (hg19) VCF-style: chr3-48936218-G-A.
Other names: p.Q4*:CAG>TAG; short protein forms Q4*.
Identifiers: ClinVar variation 203941 (VCV000203941.18), dbSNP rs756998699, ClinGen allele CA312985.